The following is an entry in ClinVar:

ClinVar aggregate classification (germline): Uncertain significance (1 of 4 stars; one submission).

Submission:

GeneDx
Classification: Uncertain significance. Last evaluated: 2022-11-30. Review status: criteria provided, single submitter. Criteria: GeneDx Variant Classification Process June 2021. Collection method: clinical testing. Allele origin: germline. Affected: yes.
Comment: Nonsense variant predicted to result in protein truncation or nonsense mediated decay in a gene or region of a gene for which loss of function is not a well-established mechanism of disease; Not observed at significant frequency in large population cohorts (gnomAD); Has not been previously published as pathogenic or benign to our knowledge

NM_014633.5(CTR9):c.295A>T (p.Lys99Ter)

Gene: CTR9 (CTR9 homolog, Paf1/RNA polymerase II complex component; plus strand). Cytogenetic location: 11p15.4.
Variant type: single nucleotide variant.
Coding change: c.295A>T on transcript NM_014633.5 (MANE Select); coding-DNA position 295, A replaced by T.
Protein change: p.Lys99Ter; replaces lysine 99 with a stop codon.
Molecular consequence: nonsense.
Genome position (GRCh38, 1-based): chr11:10,755,108, A>T. VCF-style: chr11-10755108-A-T. GRCh37 (hg19) VCF-style: chr11-10776655-A-T.
Other names: c.295A>T, p.Lys99Ter (NM_001346279.2); short protein forms K99*.
Identifiers: ClinVar variation 2504520 (VCV002504520.1), dbSNP rs1590017342, ClinGen allele CA379659495.